The following is an entry in ClinVar:

NM_000275.3(OCA2):c.1399G>A (p.Val467Ile)

Gene: OCA2 (OCA2 melanosomal transmembrane protein; minus strand). Cytogenetic location: 15q13.1.
Variant type: single nucleotide variant.
Coding change: c.1399G>A on transcript NM_000275.3 (MANE Select); coding-DNA position 1399, G replaced by A.
Protein change: p.Val467Ile; replaces valine 467 with isoleucine.
Molecular consequence: missense variant.
Genome position (GRCh38, 1-based): chr15:27,983,449, C>T on the plus strand (G>A on the coding strand, the complement: OCA2 is on the minus strand). VCF-style: chr15-27983449-C-T. GRCh37 (hg19) VCF-style: chr15-28228595-C-T.
Other names: c.1327G>A, p.Val443Ile (NM_001300984.2); short protein forms V443I, V467I.
Identifiers: ClinVar variation 1362193 (VCV001362193.8), dbSNP rs750011165, ClinGen allele CA7439043.

ClinVar aggregate classification (germline): Uncertain significance (1 of 4 stars; one submission).

Allele frequency attached by ClinVar (database versions not stated): gnomAD exomes below 0.00001 and 0.00002; ExAC 0.00003.
gnomAD v4.1: 2 of 1,614,216 alleles (0.00012%); highest among the groups gnomAD compares: Admixed American, 0.0033%; no homozygotes.

Submission:

Labcorp Genetics (formerly Invitae), Labcorp
Classification: Uncertain significance. Last evaluated: 2025-01-15. Review status: criteria provided, single submitter. Criteria: Invitae Variant Classification Sherloc (09022015). Collection method: clinical testing. Allele origin: germline.
Comment: This sequence change replaces valine, which is neutral and non-polar, with isoleucine, which is neutral and non-polar, at codon 467 of the OCA2 protein (p.Val467Ile). This variant is present in population databases (rs750011165, gnomAD 0.01%). This variant has not been reported in the literature in individuals affected with OCA2-related conditions. ClinVar contains an entry for this variant (Variation ID: 1362193). Invitae Evidence Modeling of protein sequence and biophysical properties (such as structural, functional, and spatial information, amino acid conservation, physicochemical variation, residue mobility, and thermodynamic stability) indicates that this missense variant is not expected to disrupt OCA2 protein function with a negative predictive value of 80%. In summary, the available evidence is currently insufficient to determine the role of this variant in disease. Therefore, it has been classified as a Variant of Uncertain Significance.